The following is an entry in ClinVar:

ClinVar aggregate classification (germline): Uncertain significance (1 of 4 stars; one submission).

Allele frequency attached by ClinVar (database versions not stated): gnomAD exomes below 0.00001; gnomAD 0.00001.
gnomAD v4.1: 6 of 1,599,732 alleles (0.00038%); highest among the groups gnomAD compares: Non-Finnish European, 0.00051%; no homozygotes.

Submission:

Labcorp Genetics (formerly Invitae), Labcorp
Classification: Uncertain significance. Last evaluated: 2020-10-24. Review status: criteria provided, single submitter. Criteria: Invitae Variant Classification Sherloc (09022015). Collection method: clinical testing. Allele origin: germline.
Comment: In summary, the available evidence is currently insufficient to determine the role of this variant in disease. Therefore, it has been classified as a Variant of Uncertain Significance. Advanced modeling of protein sequence and biophysical properties (such as structural, functional, and spatial information, amino acid conservation, physicochemical variation, residue mobility, and thermodynamic stability) performed at Invitae indicates that this missense variant is expected to disrupt ABCA4 protein function. This variant has not been reported in the literature in individuals with ABCA4-related conditions. This variant is not present in population databases (ExAC no frequency). This sequence change replaces glycine with alanine at codon 722 of the ABCA4 protein (p.Gly722Ala). The glycine residue is highly conserved and there is a small physicochemical difference between glycine and alanine.

NM_000350.3(ABCA4):c.2165G>C (p.Gly722Ala)

Gene: ABCA4 (ATP binding cassette subfamily A member 4; minus strand). Cytogenetic location: 1p22.1.
Variant type: single nucleotide variant.
Coding change: c.2165G>C on transcript NM_000350.3 (MANE Select); coding-DNA position 2165, G replaced by C.
Protein change: p.Gly722Ala; replaces glycine 722 with alanine.
Molecular consequence: missense variant.
Genome position (GRCh38, 1-based): chr1:94,056,818, C>G on the plus strand (G>C on the coding strand, the complement: ABCA4 is on the minus strand). VCF-style: chr1-94056818-C-G. GRCh37 (hg19) VCF-style: chr1-94522374-C-G.
Other names: short protein forms G722A.
Identifiers: ClinVar variation 1062222 (VCV001062222.9), dbSNP rs1660996321, ClinGen allele CA341278157.
Genomic context (GRCh38, chr1:94,056,818, plus strand): 5'-GTGGAGAAAGCCAACAAGAACAGGAAGAGGATGAATGGGTCGCTGTAATGTAGGATTCTT[C>G]CATGCTGAAACCAAGAGGCCATGCGTCAGTAACTCCTGCCCTTGGCCGGACGCCTTCTCA-3'
Protein context (NP_000341.2, residues 712-732): IFLLTIFIMH[Gly722Ala]RILHYSDPFI